The following is an entry in ClinVar:

NM_001012301.4(ARSI):c.1574G>A (p.Ser525Asn)

Gene: ARSI (arylsulfatase family member I; minus strand). Cytogenetic location: 5q32.
Variant type: single nucleotide variant.
Coding change: c.1574G>A on transcript NM_001012301.4 (MANE Select); coding-DNA position 1574, G replaced by A.
Protein change: p.Ser525Asn; replaces serine 525 with asparagine.
Molecular consequence: missense variant.
Genome position (GRCh38, 1-based): chr5:150,297,350, C>T on the plus strand (G>A on the coding strand, the complement: ARSI is on the minus strand). VCF-style: chr5-150297350-C-T. GRCh37 (hg19) VCF-style: chr5-149676913-C-T.
Other names: short protein forms S525N.
Identifiers: ClinVar variation 465195 (VCV000465195.9), dbSNP rs771643080, ClinGen allele CA129122544.

ClinVar aggregate classification (germline): Uncertain significance. Review status: criteria provided, multiple submitters, no conflicts (2 of 4 stars). 2 submissions from 2 submitters: Uncertain significance (2). Last evaluated 2025-05-14.

Conditions:
Spastic paraplegia. Identifiers: MedGen C0037772, HP:0001258.

Allele frequency attached by ClinVar (database versions not stated): TOPMed 0.00001; gnomAD exomes 0.00002.
gnomAD v4.1: 24 of 1,613,676 alleles (0.0015%); highest among the groups gnomAD compares: Non-Finnish European, 0.002%; 1 homozygote.

Submissions (2):

Ambry Genetics
Classification: Uncertain significance. Last evaluated: 2025-05-14. Review status: criteria provided, single submitter. Criteria: Ambry Variant Classification Scheme 2023. Collection method: clinical testing. Allele origin: germline.

Labcorp Genetics (formerly Invitae), Labcorp
Classification: Uncertain significance for Spastic paraplegia. Last evaluated: 2022-06-20. Review status: criteria provided, single submitter. Criteria: Invitae Variant Classification Sherloc (09022015). Collection method: clinical testing. Allele origin: germline.
Comment: In summary, the available evidence is currently insufficient to determine the role of this variant in disease. Therefore, it has been classified as a Variant of Uncertain Significance. Algorithms developed to predict the effect of missense changes on protein structure and function (SIFT, PolyPhen-2, Align-GVGD) all suggest that this variant is likely to be tolerated. ClinVar contains an entry for this variant (Variation ID: 465195). This variant has not been reported in the literature in individuals affected with ARSI-related conditions. This variant is present in population databases (rs771643080, gnomAD 0.004%). This sequence change replaces serine, which is neutral and polar, with asparagine, which is neutral and polar, at codon 525 of the ARSI protein (p.Ser525Asn).